The following is an entry in ClinVar:

ClinVar aggregate classification (germline): Uncertain significance (1 of 4 stars; one submission).

Submission:

GeneDx
Classification: Uncertain significance. Last evaluated: 2025-04-15. Review status: criteria provided, single submitter. Criteria: GeneDx Variant Classification Process June 2021. Collection method: clinical testing. Allele origin: germline. Affected: yes.
Comment: Not observed at significant frequency in large population cohorts (gnomAD); Has not been previously published as pathogenic or benign to our knowledge; In silico analysis does not support a benign or deleterious effect of this variant on protein structure/function

NM_033517.1:c.529G>A

Gene: SHANK3 (SH3 and multiple ankyrin repeat domains 3; plus strand).
Variant type: single nucleotide variant.
Other names: c.529G>A (NM_033517.1).
Identifiers: ClinVar variation 4281760 (VCV004281760.1).